The following is an entry in ClinVar:

NM_001999.4(FBN2):c.7994G>C (p.Gly2665Ala)

Gene: FBN2 (fibrillin 2; minus strand). Cytogenetic location: 5q23.3.
Variant type: single nucleotide variant.
Coding change: c.7994G>C on transcript NM_001999.4 (MANE Select); coding-DNA position 7994, G replaced by C.
Protein change: p.Gly2665Ala; replaces glycine 2665 with alanine.
Molecular consequence: missense variant.
Genome position (GRCh38, 1-based): chr5:128,263,623, C>G on the plus strand (G>C on the coding strand, the complement: FBN2 is on the minus strand). VCF-style: chr5-128263623-C-G. GRCh37 (hg19) VCF-style: chr5-127599315-C-G.
Other names: short protein forms G2665A.
Identifiers: ClinVar variation 2695127 (VCV002695127.3), dbSNP rs2479612299, ClinGen allele CA360749859.

ClinVar aggregate classification (germline): Uncertain significance (1 of 4 stars; one submission).

Conditions:
Congenital contractural arachnodactyly (CCA). Also called: Beals-Hecht syndrome; BEALS SYNDROME; Arthrogryposis, distal, type 9. Identifiers: Orphanet 115, MedGen C0220668, MONDO:0007363, OMIM 121050.

Submission:

Labcorp Genetics (formerly Invitae), Labcorp
Classification: Uncertain significance for Congenital contractural arachnodactyly. Last evaluated: 2023-11-11. Review status: criteria provided, single submitter. Criteria: Invitae Variant Classification Sherloc (09022015). Collection method: clinical testing. Allele origin: germline.
Comment: This sequence change replaces glycine, which is neutral and non-polar, with alanine, which is neutral and non-polar, at codon 2665 of the FBN2 protein (p.Gly2665Ala). This variant is not present in population databases (gnomAD no frequency). This variant has not been reported in the literature in individuals affected with FBN2-related conditions. Advanced modeling of protein sequence and biophysical properties (such as structural, functional, and spatial information, amino acid conservation, physicochemical variation, residue mobility, and thermodynamic stability) performed at Invitae indicates that this missense variant is not expected to disrupt FBN2 protein function with a negative predictive value of 80%. In summary, the available evidence is currently insufficient to determine the role of this variant in disease. Therefore, it has been classified as a Variant of Uncertain Significance.